The following is an entry in ClinVar:

ClinVar aggregate classification (germline): Uncertain significance. Review status: criteria provided, multiple submitters, no conflicts (2 of 4 stars). 3 submissions from 3 submitters: Uncertain significance (2). 1 of the submissions does not count toward it. Last evaluated 2025-11-10.

Conditions:
CSF1R-related disorder. Also called: CSF1R-related condition. Identifiers: MedGen CN379780, MONDO:0100632.
Leukoencephalopathy, diffuse hereditary, with spheroids 1 (HDLS1). Also called: DEMENTIA, FAMILIAL, NEUMANN TYPE; SUBCORTICAL GLIOSIS OF NEUMANN; CSF1R-related adult-onset leukoencephalopathy with axonal spheroids and pigmented glia. Identifiers: Orphanet 313808, MedGen C5561929, MONDO:0800027, OMIM 221820.

Allele frequency attached by ClinVar (database versions not stated): gnomAD exomes 0.00001; ExAC 0.00002; gnomAD 0.00001; TOPMed below 0.00001.
gnomAD v4.1: 11 of 1,613,610 alleles (0.00068%); highest among the groups gnomAD compares: Admixed American, 0.0083%; no homozygotes.

Submissions (3):

Labcorp Genetics (formerly Invitae), Labcorp
Classification: Uncertain significance. Last evaluated: 2025-11-10. Review status: criteria provided, single submitter. Criteria: Invitae Variant Classification Sherloc (09022015). Collection method: clinical testing. Allele origin: germline.
Comment: This sequence change replaces aspartic acid, which is acidic and polar, with alanine, which is neutral and non-polar, at codon 439 of the CSF1R protein (p.Asp439Ala). This variant is present in population databases (rs771614491, gnomAD 0.006%). This variant has not been reported in the literature in individuals affected with CSF1R-related conditions. ClinVar contains an entry for this variant (Variation ID: 2188912). Invitae Evidence Modeling of protein sequence and biophysical properties (such as structural, functional, and spatial information, amino acid conservation, physicochemical variation, residue mobility, and thermodynamic stability) indicates that this missense variant is not expected to disrupt CSF1R protein function with a negative predictive value of 95%. In summary, the available evidence is currently insufficient to determine the role of this variant in disease. Therefore, it has been classified as a Variant of Uncertain Significance.

Dasa
Classification: Uncertain significance for Leukoencephalopathy, diffuse hereditary, with spheroids 1. Last evaluated: 2025-10-18. Review status: criteria provided, single submitter. Criteria: DASA Assertion Criteria. Collection method: clinical testing. Allele origin: germline.
Comment: NM_001288705.3(CSF1R):c.1316A>C (p.Asp439Ala) is a missense variant that results in the substitution of aspartic acid with alanine. This variant is rare in population databases. The currently available literature and clinical evidence are not sufficient to establish a definitive association between this variant and the reported condition. Therefore, this variant is classified as a variant of uncertain significance.

PreventionGenetics, part of Exact Sciences
Classification: Uncertain significance for CSF1R-related condition. Last evaluated: 2024-06-10. Review status: no assertion criteria provided. Collection method: clinical testing. Allele origin: germline. Not counted in ClinVar's aggregate classification.
Comment: The CSF1R c.1316A>C variant is predicted to result in the amino acid substitution p.Asp439Ala. To our knowledge, this variant has not been reported in the literature. This variant is reported in 0.0058% of alleles in individuals of Latino descent in gnomAD. At this time, the clinical significance of this variant is uncertain due to the absence of conclusive functional and genetic evidence.

NM_001288705.3(CSF1R):c.1316A>C (p.Asp439Ala)

Gene: CSF1R (colony stimulating factor 1 receptor; minus strand). Cytogenetic location: 5q32.
Variant type: single nucleotide variant.
Coding change: c.1316A>C on transcript NM_001288705.3 (MANE Select); coding-DNA position 1316, A replaced by C.
Protein change: p.Asp439Ala; replaces aspartic acid 439 with alanine.
Molecular consequence: missense variant. On other transcripts: non-coding transcript variant (2).
Genome position (GRCh38, 1-based): chr5:150,070,185, T>G on the plus strand (A>C on the coding strand, the complement: CSF1R is on the minus strand). VCF-style: chr5-150070185-T-G. GRCh37 (hg19) VCF-style: chr5-149449748-T-G.
Other names: c.1316A>C, p.Asp439Ala (NM_001349736.2, NM_001375320.1, NM_005211.4); c.872A>C, p.Asp291Ala (NM_001375321.1); c.1316A>C (NM_005211.3); short protein forms D439A, D291A.
Identifiers: ClinVar variation 2188912 (VCV002188912.7), dbSNP rs771614491, ClinGen allele CA3506886.